The following is an entry in ClinVar:

ClinVar aggregate classification (germline): Uncertain significance (1 of 4 stars; one submission).

Conditions:
Arrhythmogenic cardiomyopathy with wooly hair and keratoderma. Also called: PALMOPLANTAR KERATODERMA WITH LEFT VENTRICULAR CARDIOMYOPATHY AND WOOLLY HAIR; Carvajal syndrome; Dilated cardiomyopathy with woolly hair and keratoderma; Arrhythmogenic cardiomyopathy with woolly hair and keratoderma. Identifiers: Orphanet 65282, MedGen C1854063, MONDO:0011581, OMIM 605676.

Allele frequency attached by ClinVar (database versions not stated): ExAC 0.00001.
gnomAD v4.1: 8 of 1,613,874 alleles (0.0005%); highest among the groups gnomAD compares: Non-Finnish European, 0.00068%; no homozygotes.

Submission:

All of Us Research Program, National Institutes of Health
Classification: Uncertain significance for Arrhythmogenic cardiomyopathy with wooly hair and keratoderma. Last evaluated: 2023-08-15. Review status: criteria provided, single submitter. Criteria: ACMG Guidelines, 2015. Collection method: clinical testing. Allele origin: germline. Inheritance: Autosomal dominant inheritance. Observed: 2 variant alleles, 2 heterozygotes.
Comment: This variant causes a G>T nucleotide substitution at the +5 position of intron 7 of the DSP gene. Splice site prediction tools predict that this variant may have a significant impact on RNA splicing. To our knowledge, functional studies have not been reported for this variant. This variant has not been reported in individuals affected with cardiovascular disorders in the literature. This variant has been identified in 3/251084 chromosomes in the general population by the Genome Aggregation Database (gnomAD). The available evidence is insufficient to determine the role of this variant in disease conclusively. Therefore, this variant is classified as a Variant of Uncertain Significance.

This study involves interpretation of variants in research participants for the purpose of population health screening. Participant phenotype was not available at the time of variant classification. Additional details can be found in publication PMID: 35346344, PMCID: PMC8962531

NM_004415.4(DSP):c.939+5G>T

Gene: DSP (desmoplakin; plus strand). Cytogenetic location: 6p24.3.
Variant type: single nucleotide variant.
Coding change: c.939+5G>T on transcript NM_004415.4 (MANE Select); 5 bases into the intron after coding-DNA position 939, G replaced by T.
Molecular consequence: intron variant.
Genome position (GRCh38, 1-based): chr6:7,565,525, G>T. VCF-style: chr6-7565525-G-T. GRCh37 (hg19) VCF-style: chr6-7565758-G-T.
Other names: c.939+5G>T (NM_001319034.2, NM_001008844.3, NM_001406591.1).
Identifiers: ClinVar variation 3071056 (VCV003071056.1), dbSNP rs751646570, ClinGen allele CA053183.
Genomic context (GRCh38, chr6:7,565,525, plus strand): 5'-TGTACGACTGGAGCGACAAGAACACCAACATCGCTCAGAAACAGGAGGCCTTCTCCGTAA[G>T]TTCACCCCACGCGGCTGTAGATGCTTGTCTTGAGCCTGTTGCCTTGAAGAGCTGGGGTCT-3'